The following is an entry in ClinVar:

ClinVar aggregate classification (germline): Uncertain significance (1 of 4 stars; one submission).

Conditions:
Neuropathy, hereditary sensory and autonomic, type 2A (HSAN2A). Also called: ACROOSTEOLYSIS, GIACCAI TYPE; ACROOSTEOLYSIS, NEUROGENIC; MORVAN DISEASE; NEUROPATHY, CONGENITAL SENSORY; NEUROPATHY, HEREDITARY SENSORY RADICULAR, AUTOSOMAL RECESSIVE; NEUROPATHY, HEREDITARY SENSORY, TYPE IIA. Identifiers: Orphanet 970, MedGen C2752089, MONDO:0024309, OMIM 201300.
Pseudohypoaldosteronism type 2C (PHA2C). Also called: Pseudohypoaldosteronism Type IIC. Identifiers: Orphanet 757, Orphanet 88940, MedGen C1840391, MONDO:0013778, OMIM 614492.

gnomAD v4.1: 18 of 1,613,780 alleles (0.0011%); highest among the groups gnomAD compares: Non-Finnish European, 0.0014%; no homozygotes.

Submission:

Labcorp Genetics (formerly Invitae), Labcorp
Classification: Uncertain significance for Neuropathy, hereditary sensory and autonomic, type 2A; Pseudohypoaldosteronism type 2C. Last evaluated: 2024-10-07. Review status: criteria provided, single submitter. Criteria: Invitae Variant Classification Sherloc (09022015). Collection method: clinical testing. Allele origin: germline.
Comment: This sequence change replaces aspartic acid, which is acidic and polar, with asparagine, which is neutral and polar, at codon 1441 of the WNK1 protein (p.Asp1441Asn). This variant is present in population databases (rs372060006, gnomAD 0.007%). This variant has not been reported in the literature in individuals affected with WNK1-related conditions. Experimental studies and prediction algorithms are not available or were not evaluated, and the functional significance of this variant is currently unknown. In summary, the available evidence is currently insufficient to determine the role of this variant in disease. Therefore, it has been classified as a Variant of Uncertain Significance.

NM_018979.4(WNK1):c.3565G>A (p.Asp1189Asn)

Gene: WNK1 (WNK lysine deficient protein kinase 1; plus strand). Cytogenetic location: 12p13.33.
Variant type: single nucleotide variant.
Coding change: c.3565G>A on transcript NM_018979.4 (MANE Select); coding-DNA position 3565, G replaced by A.
Protein change: p.Asp1189Asn; replaces aspartic acid 1189 with asparagine.
Molecular consequence: missense variant.
Genome position (GRCh38, 1-based): chr12:883,470, G>A. VCF-style: chr12-883470-G-A. GRCh37 (hg19) VCF-style: chr12-992636-G-A.
Other names: c.4345G>A, p.Asp1449Asn (NM_001184985.2); c.2824G>A, p.Asp942Asn (NM_014823.3); c.4321G>A, p.Asp1441Asn (NM_213655.5); short protein forms D1189N, D1441N, D1449N, D942N.
Identifiers: ClinVar variation 3750746 (VCV003750746.2).
Genomic context (GRCh38, chr12:883,470, plus strand): 5'-ATTCTAGCAATAGAGAGAGAGTCGTTTGTGGATCAAGTGCGAGAAATTATTGAAAAAGCT[G>A]ATGAAATGCTCAGTGAGGATGTCAGTGTGGAACCAGAGGGTGATCAGGGATTGGAGAGTC-3'
Protein context (NP_061852.3, residues 1179-1199): DQVREIIEKA[Asp1189Asn]EMLSEDVSVE